The following is an entry in ClinVar:

NM_177972.3(TUB):c.1005_1031dup (p.Tyr344_Asp345insLeuMetGlyThrLysPheThrValTyr)

Genes: RIC3 (RIC3 acetylcholine receptor chaperone; minus strand), TUB (TUB bipartite transcription factor; plus strand). Cytogenetic location: 11p15.4.
Variant type: Duplication.
Coding change: c.1005_1031dup on transcript NM_177972.3 (MANE Select); coding-DNA positions 1005 to 1031, 27 bases duplicated (CTTGATGGGCACCAAGTTCACTGTTTA).
Protein change: p.Tyr344_Asp345insLeuMetGlyThrLysPheThrValTyr.
Molecular consequence: inframe insertion.
Genome position (GRCh38, 1-based): chr11:8,098,764-8,098,790, CTTGATGGGCACCAAGTTCACTGTTTA duplicated; duplicating any 27 consecutive bases within chr11:8,098,763-8,098,790 gives the same sequence; the c. name uses the placement nearest the transcript's 3' end. VCF-style (leftmost placement, unchanged base first): chr11-8098762-A-AACTTGATGGGCACCAAGTTCACTGTTT. GRCh37 (hg19) VCF-style: chr11-8120309-A-AACTTGATGGGCACCAAGTTCACTGTTT.
Other names: c.1170_1196dup, p.Tyr399_Asp400insLeuMetGlyThrLysPheThrValTyr (NM_003320.5).
Identifiers: ClinVar variation 1953912 (VCV001953912.5), dbSNP rs2539266780, ClinGen allele CA2580084028.

ClinVar aggregate classification (germline): Uncertain significance (1 of 4 stars; one submission).

Submission:

Labcorp Genetics (formerly Invitae), Labcorp
Classification: Uncertain significance. Last evaluated: 2023-11-13. Review status: criteria provided, single submitter. Criteria: Invitae Variant Classification Sherloc (09022015). Collection method: clinical testing. Allele origin: germline.
Comment: This variant, c.1170_1196dup, results in the insertion of 9 amino acid(s) of the TUB protein (p.Leu391_Tyr399dup), but otherwise preserves the integrity of the reading frame. This variant is not present in population databases (gnomAD no frequency). This variant has not been reported in the literature in individuals affected with TUB-related conditions. ClinVar contains an entry for this variant (Variation ID: 1953912). In summary, the available evidence is currently insufficient to determine the role of this variant in disease. Therefore, it has been classified as a Variant of Uncertain Significance.